The following is an entry in ClinVar:

ClinVar aggregate classification (germline): Uncertain significance (1 of 4 stars; one submission).

Conditions:
Hereditary cancer-predisposing syndrome. Also called: Neoplastic Syndromes, Hereditary; Hereditary Cancer Syndrome; Tumor predisposition; Hereditary neoplastic syndrome. Identifiers: Orphanet 140162, MedGen C0027672, MeSH D009386, MONDO:0015356.

gnomAD v4.1: 1 of 1,602,726 alleles (0.000062%); highest among the groups gnomAD compares: Non-Finnish European, 0.000085%; no homozygotes.

Submission:

Ambry Genetics
Classification: Uncertain significance for Hereditary cancer-predisposing syndrome. Last evaluated: 2025-01-06. Review status: criteria provided, single submitter. Criteria: Ambry Variant Classification Scheme 2023. Collection method: clinical testing. Allele origin: germline.
Comment: The p.V190A variant (also known as c.569T>C), located in coding exon 6 of the RB1 gene, results from a T to C substitution at nucleotide position 569. The valine at codon 190 is replaced by alanine, an amino acid with similar properties. This amino acid position is well conserved in available vertebrate species. In addition, the in silico prediction for this alteration is inconclusive. Based on the available evidence, the clinical significance of this variant remains unclear.

NM_000321.3(RB1):c.569T>C (p.Val190Ala)

Gene: RB1 (RB transcriptional corepressor 1; plus strand). Cytogenetic location: 13q14.2.
Variant type: single nucleotide variant.
Coding change: c.569T>C on transcript NM_000321.3 (MANE Select); coding-DNA position 569, T replaced by C.
Protein change: p.Val190Ala; replaces valine 190 with alanine.
Molecular consequence: missense variant.
Genome position (GRCh38, 1-based): chr13:48,348,985, T>C. VCF-style: chr13-48348985-T-C. GRCh37 (hg19) VCF-style: chr13-48923121-T-C.
Other names: c.569T>C, p.Val190Ala (NM_001407165.1, NM_001407166.1); short protein forms V190A.
Identifiers: ClinVar variation 3787263 (VCV003787263.1).